The following is an entry in ClinVar:

ClinVar aggregate classification (germline): Pathogenic (1 of 4 stars; one submission).

Conditions:
Hereditary diffuse gastric adenocarcinoma (HDGC). Also called: DIFFUSE GASTRIC AND LOBULAR BREAST CANCER SYNDROME. Identifiers: Orphanet 26106, MedGen C1708349, MONDO:0007648, OMIM 137215.

Submission:

Labcorp Genetics (formerly Invitae), Labcorp
Classification: Pathogenic for Hereditary diffuse gastric adenocarcinoma. Last evaluated: 2019-04-22. Review status: criteria provided, single submitter. Criteria: Invitae Variant Classification Sherloc (09022015). Collection method: clinical testing. Allele origin: germline.
Comment: This sequence change creates a premature translational stop signal (p.Val473Alafs*8) in the CDH1 gene. It is expected to result in an absent or disrupted protein product. This variant is not present in population databases (ExAC no frequency). This variant has not been reported in the literature in individuals with CDH1-related conditions. Loss-of-function variants in CDH1 are known to be pathogenic (PMID: 15235021, 20373070). For these reasons, this variant has been classified as Pathogenic.

Literature cited by the submitters: PubMed 15235021; PubMed 20373070.

NM_004360.5(CDH1):c.1418del (p.Val473fs)

Gene: CDH1 (cadherin 1; plus strand). Cytogenetic location: 16q22.1.
Variant type: Deletion.
Coding change: c.1418del on transcript NM_004360.5 (MANE Select); coding-DNA position 1418, one base deleted (T; older notation c.1418delT).
Protein change: p.Val473fs; shifts the reading frame from valine 473.
Molecular consequence: frameshift variant. On other transcripts: 5 prime UTR variant (2).
Genome position (GRCh38, 1-based): chr16:68,815,612, T deleted. VCF-style (leftmost placement, unchanged base first): chr16-68815611-GT-G. GRCh37 (hg19) VCF-style: chr16-68849514-GT-G.
Other names: c.1235del, p.Val412fs (NM_001317184.2); c.-131del (NM_001317185.2); c.-402del (NM_001317186.2); short protein forms V473fs, V412fs.
Identifiers: ClinVar variation 862003 (VCV000862003.8), dbSNP rs1960962662, ClinGen allele CA916081828.